The following is an entry in ClinVar:

ClinVar aggregate classification (germline): Uncertain significance (1 of 4 stars; one submission).

Conditions:
Muscular dystrophy-dystroglycanopathy (congenital with brain and eye anomalies), type A2. Also called: MUSCULAR DYSTROPHY-DYSTROGLYCANOPATHY (CONGENITAL WITH BRAIN AND EYE ANOMALIES), TYPE A, 2; WALKER-WARBURG SYNDROME OR MUSCLE-EYE-BRAIN DISEASE, POMT2-RELATED. Identifiers: Orphanet 588, Orphanet 899, MedGen C3150411, MONDO:0013154, OMIM 613150.
Autosomal recessive limb-girdle muscular dystrophy type 2N. Also called: MUSCULAR DYSTROPHY-DYSTROGLYCANOPATHY, LIMB-GIRDLE, POMT2-RELATED; Muscular dystrophy-dystroglycanopathy (limb-girdle), type C, 2. Identifiers: Orphanet 206559, MedGen C3150418, MONDO:0013162, OMIM 613158.
Muscular dystrophy-dystroglycanopathy (congenital with impaired intellectual development), type B, 2. Also called: Muscular dystrophy-dystroglycanopathy (congenital with intellectual disability), type B2; MUSCULAR DYSTROPHY, CONGENITAL, POMT2-RELATED. Identifiers: MedGen C3150416, MONDO:0013160, OMIM 613156.

Allele frequency attached by ClinVar (database versions not stated): gnomAD exomes below 0.00001.
gnomAD v4.1: 2 of 1,614,204 alleles (0.00012%); highest among the groups gnomAD compares: Non-Finnish European, 0.00017%; no homozygotes.

Submission:

Labcorp Genetics (formerly Invitae), Labcorp
Classification: Uncertain significance for Muscular dystrophy-dystroglycanopathy (congenital with impaired intellectual development), type B, 2; Muscular dystrophy-dystroglycanopathy (congenital with brain and eye anomalies), type A2; Autosomal recessive limb-girdle muscular dystrophy type 2N. Last evaluated: 2022-05-21. Review status: criteria provided, single submitter. Criteria: Invitae Variant Classification Sherloc (09022015). Collection method: clinical testing. Allele origin: germline.
Comment: This sequence change replaces glycine, which is neutral and non-polar, with glutamic acid, which is acidic and polar, at codon 552 of the POMT2 protein (p.Gly552Glu). This variant is not present in population databases (gnomAD no frequency). This variant has not been reported in the literature in individuals affected with POMT2-related conditions. Algorithms developed to predict the effect of missense changes on protein structure and function are either unavailable or do not agree on the potential impact of this missense change (SIFT: "Deleterious"; PolyPhen-2: "Probably Damaging"; Align-GVGD: "Class C0"). In summary, the available evidence is currently insufficient to determine the role of this variant in disease. Therefore, it has been classified as a Variant of Uncertain Significance.

NM_013382.7(POMT2):c.1655G>A (p.Gly552Glu)

Gene: POMT2 (protein O-mannosyltransferase 2; minus strand). Cytogenetic location: 14q24.3.
Variant type: single nucleotide variant.
Coding change: c.1655G>A on transcript NM_013382.7 (MANE Select); coding-DNA position 1655, G replaced by A.
Protein change: p.Gly552Glu; replaces glycine 552 with glutamic acid.
Molecular consequence: missense variant.
Genome position (GRCh38, 1-based): chr14:77,280,462, C>T on the plus strand (G>A on the coding strand, the complement: POMT2 is on the minus strand). VCF-style: chr14-77280462-C-T. GRCh37 (hg19) VCF-style: chr14-77746805-C-T.
Other names: short protein forms G552E.
Identifiers: ClinVar variation 2061042 (VCV002061042.1), dbSNP rs2503171474, ClinGen allele CA390515661.